The following is an entry in ClinVar:

NM_031935.3(HMCN1):c.2388A>G (p.Ile796Met)

Gene: HMCN1 (hemicentin 1; plus strand). Cytogenetic location: 1q31.1.
Variant type: single nucleotide variant.
Coding change: c.2388A>G on transcript NM_031935.3 (MANE Select); coding-DNA position 2388, A replaced by G.
Protein change: p.Ile796Met; replaces isoleucine 796 with methionine.
Molecular consequence: missense variant.
Genome position (GRCh38, 1-based): chr1:185,977,803, A>G. VCF-style: chr1-185977803-A-G. GRCh37 (hg19) VCF-style: chr1-185946935-A-G.
Other names: short protein forms I796M.
Identifiers: ClinVar variation 2795349 (VCV002795349.3), dbSNP rs764507680, ClinGen allele CA33465111.

ClinVar aggregate classification (germline): Uncertain significance (1 of 4 stars; one submission).

Submission:

Labcorp Genetics (formerly Invitae), Labcorp
Classification: Uncertain significance. Last evaluated: 2023-11-07. Review status: criteria provided, single submitter. Criteria: Invitae Variant Classification Sherloc (09022015). Collection method: clinical testing. Allele origin: germline.
Comment: This sequence change replaces isoleucine, which is neutral and non-polar, with methionine, which is neutral and non-polar, at codon 796 of the HMCN1 protein (p.Ile796Met). This variant is not present in population databases (gnomAD no frequency). This variant has not been reported in the literature in individuals affected with HMCN1-related conditions. An algorithm developed to predict the effect of missense changes on protein structure and function (PolyPhen-2) suggests that this variant is likely to be disruptive. In summary, the available evidence is currently insufficient to determine the role of this variant in disease. Therefore, it has been classified as a Variant of Uncertain Significance.